The following is an entry in ClinVar:

ClinVar aggregate classification (germline): Conflicting classifications of pathogenicity. Review status: criteria provided, conflicting classifications (1 of 4 stars). 2 submissions from 2 submitters: Uncertain significance (1); Likely benign (1). Last evaluated 2025-03-04.

Allele frequency attached by ClinVar (database versions not stated): gnomAD exomes 0.00003.
gnomAD v4.1: 29 of 1,460,870 alleles (0.002%); highest among the groups gnomAD compares: Middle Eastern, 0.098%; no homozygotes.

Submissions (2):

Center for Genomic Medicine, Rigshospitalet, Copenhagen University Hospital
Classification: Uncertain significance. Last evaluated: 2025-03-04. Review status: criteria provided, single submitter. Criteria: ACMG Guidelines, 2015. Collection method: clinical testing. Allele origin: germline.

CeGaT Center for Human Genetics Tuebingen
Classification: Likely benign. Last evaluated: 2022-08-01. Review status: criteria provided, single submitter. Criteria: CeGaT Center For Human Genetics Tuebingen Variant Classification Criteria Version 2. Collection method: clinical testing. Allele origin: germline. Affected: yes. Observed: 2 variant alleles.
Comment: NBEA: BS2

NM_001385012.1(NBEA):c.73G>A (p.Ala25Thr)

Gene: NBEA (neurobeachin; plus strand). Cytogenetic location: 13q13.3.
Variant type: single nucleotide variant.
Coding change: c.73G>A on transcript NM_001385012.1 (MANE Select); coding-DNA position 73, G replaced by A.
Protein change: p.Ala25Thr; replaces alanine 25 with threonine.
Molecular consequence: missense variant.
Genome position (GRCh38, 1-based): chr13:34,942,893, G>A. VCF-style: chr13-34942893-G-A. GRCh37 (hg19) VCF-style: chr13-35517030-G-A.
Other names: c.73G>A, p.Ala25Thr (NM_001379245.1, NM_015678.5); short protein forms A25T.
Identifiers: ClinVar variation 1701220 (VCV001701220.33), dbSNP rs1363004176, ClinGen allele CA387831857.